The following is an entry in ClinVar:

NM_000059.4(BRCA2):c.5609_5610delinsAG (p.Phe1870Ter)

Gene: BRCA2 (BRCA2 DNA repair associated; plus strand). Cytogenetic location: 13q13.1.
Variant type: Indel.
Coding change: c.5609_5610delinsAG on transcript NM_000059.4 (MANE Select); coding-DNA positions 5609 to 5610, TC replaced by AG.
Protein change: p.Phe1870Ter; replaces phenylalanine 1870 with a stop codon.
Molecular consequence: nonsense.
Genome position (GRCh38, 1-based): chr13:32,339,964-32,339,965, TC replaced by AG. VCF-style: chr13-32339964-TC-AG. GRCh37 (hg19) VCF-style: chr13-32914101-TC-AG.
Other names: c.5609_5610delTCinsAG (NM_000059.3).
Identifiers: ClinVar variation 51890 (VCV000051890.35), dbSNP rs276174859, ClinGen allele CA022697.

ClinVar aggregate classification (germline): Pathogenic. Review status: reviewed by expert panel (3 of 4 stars). 19 submissions from 18 submitters: Pathogenic (1). 18 of the submissions do not count toward it. Last evaluated 2016-09-08.

Conditions:
BRCA2-related disorder. Also called: BRCA2-related condition; BRCA2-related disorders. Identifiers: MedGen CN239275.
BRCA2-related cancer predisposition. Identifiers: MedGen CN377758, MONDO:0700269.
Hereditary cancer-predisposing syndrome. Also called: Tumor predisposition; Neoplastic Syndromes, Hereditary; Hereditary Cancer Syndrome; Hereditary neoplastic syndrome. Identifiers: Orphanet 140162, MedGen C0027672, MeSH D009386, MONDO:0015356.
Hereditary breast ovarian cancer syndrome. Also called: Hereditary breast and ovarian cancer syndrome (HBOC); Hereditary breast and ovarian cancer syndrome; Hereditary breast and ovarian cancer; Hereditary breast and/or ovarian cancer syndrome; Breast and ovarian cancer; BRCA1- and BRCA2-Associated Hereditary Breast and Ovarian Cancer. Identifiers: Orphanet 145, MedGen C0677776, MeSH D061325, MONDO:0003582. Disease mechanism: loss of function.
BAP1-related tumor predisposition syndrome (TPDS1). Also called: COMMON Syndrome; Tumor susceptibility linked to germline BAP1 mutations; TUMOR PREDISPOSITION SYNDROME 1; BAP1 tumor predisposition syndrome. Identifiers: Orphanet 289539, MedGen C3280492, MONDO:0013692, OMIM 614327.
Fanconi anemia complementation group D1. Also called: BRCA2-Related Fanconi Anemia. Identifiers: Orphanet 319462, MedGen C1838457, MONDO:0011584, OMIM 605724.
Breast-ovarian cancer, familial, susceptibility to, 2 (BROVCA2). Also called: BRCA2 Hereditary Breast and Ovarian Cancer. Identifiers: Orphanet 145, MedGen C2675520, MONDO:0012933, OMIM 612555. Disease mechanism: loss of function.
Breast-ovarian cancer, familial, susceptibility to, 1 (BROVCA1). Also called: OVARIAN CANCER, SUSCEPTIBILITY TO; BRCA1 Hereditary Breast and Ovarian Cancer. Identifiers: Orphanet 145, MedGen C2676676, MONDO:0011450, OMIM 604370. Disease mechanism: loss of function.
Familial cancer of breast. Also called: Hereditary breast cancer; hereditary breast carcinoma; BREAST CANCER, FAMILIAL. Identifiers: Orphanet 227535, MedGen C0346153, MONDO:0016419, OMIM 114480. Disease mechanism: loss of function.

Submissions 1 to 8 of 19:

Evidence-based Network for the Interpretation of Germline Mutant Alleles (ENIGMA)
Classification: Pathogenic for Breast-ovarian cancer, familial, susceptibility to, 2. Last evaluated: 2016-09-08. Review status: reviewed by expert panel. Criteria: ENIGMA BRCA1/2 Classification Criteria (2015). Collection method: curation. Allele origin: germline.
Comment: Variant allele predicted to encode a truncated non-functional protein.

Institute of Human Genetics, University of Leipzig Medical Center
Classification: Pathogenic for Breast-ovarian cancer, familial, susceptibility to, 2. Last evaluated: 2026-05-26. Review status: criteria provided, single submitter. Criteria: ACMG Guidelines, 2015. Collection method: clinical testing. Allele origin: unknown. Inheritance: Autosomal dominant inheritance. Affected: yes. Not counted in ClinVar's aggregate classification.
Comment: Criteria applied: PVS1,PM5_STR,PM2_SUP, PP4, PM3_SUP

Labcorp Genetics (formerly Invitae), Labcorp
Classification: Pathogenic for Hereditary breast ovarian cancer syndrome. Last evaluated: 2025-07-22. Review status: criteria provided, single submitter. Criteria: Invitae Variant Classification Sherloc (09022015). Collection method: clinical testing. Allele origin: germline. Not counted in ClinVar's aggregate classification.
Comment: This sequence change creates a premature translational stop signal (p.Phe1870*) in the BRCA2 gene. It is expected to result in an absent or disrupted protein product. Loss-of-function variants in BRCA2 are known to be pathogenic (PMID: 20104584). Information on the frequency of this variant in the gnomAD database is not available, as this variant may be reported differently in the database. This premature translational stop signal has been observed in individual(s) with a personal or family history of breast and/or ovarian cancer and Fanconi anemia (PMID: 12065746, 21232165, 22729890, 22923021, 24156927). This variant is also known as 5837 TC to AG. ClinVar contains an entry for this variant (Variation ID: 51890). For these reasons, this variant has been classified as Pathogenic.

Quest Diagnostics Nichols Institute San Juan Capistrano
Classification: Pathogenic. Last evaluated: 2025-01-29. Review status: criteria provided, single submitter. Criteria: Quest Diagnostics criteria. Collection method: clinical testing. Allele origin: unknown. Not counted in ClinVar's aggregate classification.
Comment: The BRCA2 c.5609_5610delinsAG (p.Phe1870*) variant alters the translational reading frame of the BRCA2 mRNA and causes the premature termination of BRCA2 protein synthesis. This variant has been reported in the published literature in individuals with breast and/or ovarian cancer (PMID: 21232165 (2011), 28324225 (2017), 30322717 (2018), 32341426 (2020), 33471991 (2021), see also LOVD). This variant has also been identified in individuals with Fanconi anemia who carried bi-allelic BRCA2 variants (PMID: 36721989 (2023), 12065746 (2002)). This variant has not been reported in large, multi-ethnic general populations (Genome Aggregation Database). Based on the available information, this variant is classified as pathogenic.

Color Diagnostics, LLC DBA Color Health
Classification: Pathogenic for Hereditary cancer-predisposing syndrome. Last evaluated: 2024-10-29. Review status: criteria provided, single submitter. Criteria: ACMG Guidelines, 2015. Collection method: clinical testing. Allele origin: germline. Not counted in ClinVar's aggregate classification.
Comment: This variant changes 2 nucleotides in exon 11 of the BRCA2 gene, creating a premature translation stop signal. This variant is expected to result in an absent or non-functional protein product. This variant has been reported in individuals affected with breast cancer (PMID: 18284688, 21232165, 22729890, 28324225, 34680878) and Fanconi anemia (PMID: 12065746). A breast cancer case-control meta-analysis has detected this variant in 2/60466 cases and 0/53461 unaffected controls (p-value=0.502) (PMID: 33471991; Leiden Open Variation Database DB-ID BRCA2_001645). A multifactorial analysis has reported a likelihood ratio for pathogenicity based on personal and family history of 3.147 from log(LR)=0.497954577 for three carriers (PMID: 31853058). This variant has not been identified in the general population by the Genome Aggregation Database (gnomAD). Loss of BRCA2 function is a known mechanism of disease. Based on the available evidence, this variant is classified as Pathogenic.

Ambry Genetics
Classification: Pathogenic for Hereditary cancer-predisposing syndrome. Last evaluated: 2024-08-29. Review status: criteria provided, single submitter. Criteria: Ambry Variant Classification Scheme 2023. Collection method: clinical testing. Allele origin: germline. Not counted in ClinVar's aggregate classification.
Comment: The c.5609_5610delTCinsAG pathogenic mutation (also known as p.F1870*), located in coding exon 10 of the BRCA2 gene, results from an in-frame deletion of TC and insertion of AG at nucleotide positions 5609 to 5610. This changes the amino acid from a phenylalanine to a stop codon within coding exon 10. This mutation has been reported in multiple hereditary breast and ovarian cancer (HBOC) syndrome families to date (Stegel V et al. BMC Med. Genet. 2011 Jan;12:9; Becker AA et al. Breast Cancer Res. Treat. 2012 Aug;135:167-75; Tea MK et al. Maturitas 2014 Jan;77:68-72; Meisel C et al. Arch. Gynecol. Obstet. 2017 May;295(5):1227-1238), and in an individual with Fanconi Anemia (Howlett NG et al. Science 2002 Jul;297:606-9). Of note, this alteration is also designated as 5837TC>AG in published literature. This variant is considered to be rare based on population cohorts in the Genome Aggregation Database (gnomAD). In addition to the clinical data presented in the literature, this alteration is expected to result in loss of function by premature protein truncation or nonsense-mediated mRNA decay. As such, this alteration is interpreted as a disease-causing mutation.

Blueprint Genetics
Classification: Pathogenic for BRCA2-related disorders. Last evaluated: 2024-03-19. Review status: criteria provided, single submitter. Criteria: ACMG Guidelines, 2015. Collection method: clinical testing. Allele origin: germline. Affected: yes. Observed: 1 variant allele. Not counted in ClinVar's aggregate classification.

GeneDx
Classification: Pathogenic. Last evaluated: 2024-03-12. Review status: criteria provided, single submitter. Criteria: GeneDx Variant Classification Process June 2021. Collection method: clinical testing. Allele origin: germline. Affected: yes. Not counted in ClinVar's aggregate classification.
Comment: Nonsense variant predicted to result in protein truncation or nonsense mediated decay in a gene for which loss of function is a known mechanism of disease; Not observed at significant frequency in large population cohorts (gnomAD); Truncating variants in this gene are considered pathogenic by a well-established clinical consortium and/or database; Also known as 5837_5838delTCinsAG; This variant is associated with the following publications: (PMID: 27003155, 21232165, 22923021, 28056804, 28324225, 16683254, 25447315, 16825431, 24156927, 22729890, 25583207, 23583677, 15689453, 28152038, 28288110, 24301060, 16115142, 15645491, 21719596, 30322717, 32341426, 33471991, 29446198, 36721989, 38219492, 18284688, 34680878, 12065746)